The following is an entry in ClinVar:

NM_001039958.2(MESP2):c.389G>A (p.Arg130His)

Genes: MESP2 (mesoderm posterior bHLH transcription factor 2; plus strand), LOC130057891 (ATAC-STARR-seq lymphoblastoid silent region 6806; plus strand). Cytogenetic location: 15q26.1.
Variant type: single nucleotide variant.
Coding change: c.389G>A on transcript NM_001039958.2 (MANE Select); coding-DNA position 389, G replaced by A.
Protein change: p.Arg130His; replaces arginine 130 with histidine.
Molecular consequence: missense variant.
Genome position (GRCh38, 1-based): chr15:89,776,746, G>A. VCF-style: chr15-89776746-G-A. GRCh37 (hg19) VCF-style: chr15-90319977-G-A.
Other names: c.389G>A (NM_001039958.1); short protein forms R130H.
Identifiers: ClinVar variation 2161095 (VCV002161095.3), dbSNP rs1342938064, ClinGen allele CA393769983.

ClinVar aggregate classification (germline): Uncertain significance. Review status: criteria provided, multiple submitters, no conflicts (2 of 4 stars). 2 submissions from 2 submitters: Uncertain significance (2). Last evaluated 2025-09-01.

Conditions:
Inborn genetic diseases. Identifiers: MedGen C0950123, MeSH D030342.

Allele frequency attached by ClinVar (database versions not stated): gnomAD exomes 0.00001; gnomAD 0.00003; TOPMed 0.00006.

Submissions (2):

Ambry Genetics
Classification: Uncertain significance for Inborn genetic diseases. Last evaluated: 2025-09-01. Review status: criteria provided, single submitter. Criteria: Ambry Variant Classification Scheme 2023. Collection method: clinical testing. Allele origin: germline.

Labcorp Genetics (formerly Invitae), Labcorp
Classification: Uncertain significance. Last evaluated: 2022-04-30. Review status: criteria provided, single submitter. Criteria: Invitae Variant Classification Sherloc (09022015). Collection method: clinical testing. Allele origin: germline.
Comment: This sequence change replaces arginine, which is basic and polar, with histidine, which is basic and polar, at codon 130 of the MESP2 protein (p.Arg130His). The frequency data for this variant in the population databases is considered unreliable, as metrics indicate poor data quality at this position in the gnomAD database. This variant has not been reported in the literature in individuals affected with MESP2-related conditions. Algorithms developed to predict the effect of missense changes on protein structure and function (SIFT, PolyPhen-2, Align-GVGD) all suggest that this variant is likely to be disruptive. In summary, the available evidence is currently insufficient to determine the role of this variant in disease. Therefore, it has been classified as a Variant of Uncertain Significance.